The following is an entry in ClinVar:

NM_177438.3(DICER1):c.1001A>G (p.Lys334Arg)

Gene: DICER1 (dicer 1, ribonuclease III; minus strand). Cytogenetic location: 14q32.13.
Variant type: single nucleotide variant.
Coding change: c.1001A>G on transcript NM_177438.3 (MANE Select); coding-DNA position 1001, A replaced by G.
Protein change: p.Lys334Arg; replaces lysine 334 with arginine.
Molecular consequence: missense variant. On other transcripts: 5 prime UTR variant (1), non-coding transcript variant (6).
Genome position (GRCh38, 1-based): chr14:95,124,571, T>C on the plus strand (A>G on the coding strand, the complement: DICER1 is on the minus strand). VCF-style: chr14-95124571-T-C. GRCh37 (hg19) VCF-style: chr14-95590908-T-C.
Other names: c.1001A>G, p.Lys334Arg (NM_001195573.1, NM_001271282.3, NM_001291628.2 and 14 more transcripts); c.719A>G, p.Lys240Arg (NM_001395686.1); c.596A>G, p.Lys199Arg (NM_001395687.1, NM_001395688.1, NM_001395689.1 and 3 more transcripts); c.434A>G, p.Lys145Arg (NM_001395691.1); c.-568A>G (NM_001395697.1); short protein forms K145R, K199R, K334R, K240R.
Identifiers: ClinVar variation 3671159 (VCV003671159.3).

ClinVar aggregate classification (germline): Uncertain significance. Review status: criteria provided, multiple submitters, no conflicts (2 of 4 stars). 2 submissions from 2 submitters: Uncertain significance (2). Last evaluated 2025-10-12.

Conditions:
Hereditary cancer-predisposing syndrome. Also called: Hereditary Cancer Syndrome; Tumor predisposition; Hereditary neoplastic syndrome; Neoplastic Syndromes, Hereditary. Identifiers: Orphanet 140162, MedGen C0027672, MeSH D009386, MONDO:0015356.
DICER1-related tumor predisposition. Also called: DICER1-related pleuropulmonary blastoma cancer predisposition syndrome; DICER1 syndrome. Identifiers: Orphanet 284343, MedGen C3839822, MONDO:0100216.

Submissions (2):

Ambry Genetics
Classification: Uncertain significance for Hereditary cancer-predisposing syndrome. Last evaluated: 2025-10-12. Review status: criteria provided, single submitter. Criteria: Ambry Variant Classification Scheme 2023. Collection method: clinical testing. Allele origin: germline.
Comment: The p.K334R variant (also known as c.1001A>G), located in coding exon 7 of the DICER1 gene, results from an A to G substitution at nucleotide position 1001. The lysine at codon 334 is replaced by arginine, an amino acid with highly similar properties. This amino acid position is conserved. In addition, this alteration is predicted to be tolerated by in silico analysis. Based on the available evidence, the clinical significance of this variant remains unclear.

Labcorp Genetics (formerly Invitae), Labcorp
Classification: Uncertain significance for DICER1-related tumor predisposition. Last evaluated: 2024-12-30. Review status: criteria provided, single submitter. Criteria: Invitae Variant Classification Sherloc (09022015). Collection method: clinical testing. Allele origin: germline.
Comment: This sequence change replaces lysine, which is basic and polar, with arginine, which is basic and polar, at codon 334 of the DICER1 protein (p.Lys334Arg). This variant is not present in population databases (gnomAD no frequency). This variant has not been reported in the literature in individuals affected with DICER1-related conditions. Invitae Evidence Modeling of protein sequence and biophysical properties (such as structural, functional, and spatial information, amino acid conservation, physicochemical variation, residue mobility, and thermodynamic stability) indicates that this missense variant is not expected to disrupt DICER1 protein function with a negative predictive value of 95%. In summary, the available evidence is currently insufficient to determine the role of this variant in disease. Therefore, it has been classified as a Variant of Uncertain Significance.